The following is an entry in ClinVar:

ClinVar aggregate classification (germline): Uncertain significance (1 of 4 stars; one submission).

Conditions:
Cardiovascular phenotype. Identifiers: MedGen CN230736.

Allele frequency attached by ClinVar (database versions not stated): gnomAD exomes below 0.00001; ExAC 0.00001.
gnomAD v4.1: 1 of 1,614,194 alleles (0.000062%); highest among the groups gnomAD compares: Admixed American, 0.0017%; no homozygotes.

Submission:

Ambry Genetics
Classification: Uncertain significance for Cardiovascular phenotype. Last evaluated: 2022-05-20. Review status: criteria provided, single submitter. Criteria: Ambry Variant Classification Scheme 2023. Collection method: clinical testing. Allele origin: germline.
Comment: The p.K597E variant (also known as c.1789A>G), located in coding exon 13 of the MYH6 gene, results from an A to G substitution at nucleotide position 1789. The lysine at codon 597 is replaced by glutamic acid, an amino acid with similar properties. This amino acid position is conserved. In addition, this alteration is predicted to be deleterious by in silico analysis. Since supporting evidence is limited at this time, the clinical significance of this alteration remains unclear.

NM_002471.4(MYH6):c.1789A>G (p.Lys597Glu)

Gene: MYH6 (myosin heavy chain 6; minus strand). Cytogenetic location: 14q11.2.
Variant type: single nucleotide variant.
Coding change: c.1789A>G on transcript NM_002471.4 (MANE Select); coding-DNA position 1789, A replaced by G.
Protein change: p.Lys597Glu; replaces lysine 597 with glutamic acid.
Molecular consequence: missense variant.
Genome position (GRCh38, 1-based): chr14:23,398,830, T>C on the plus strand (A>G on the coding strand, the complement: MYH6 is on the minus strand). VCF-style: chr14-23398830-T-C. GRCh37 (hg19) VCF-style: chr14-23868039-T-C.
Other names: short protein forms K597E.
Identifiers: ClinVar variation 1780144 (VCV001780144.2), dbSNP rs765338504, ClinGen allele CA7115712.
Genomic context (GRCh38, chr14:23,398,830, plus strand): 5'-GCTTGAGGGAGGACTTCTGGTACAGGGCCACAACAGTCTCGTTGAGAGGATCCTTGTTTT[T>C]TTCCAGCCAGCCCAGGATGTTGTAGTCCACAGTGCCGGCGTAGTGGATCAGGGAGAAGTG-3'
Protein context (NP_002462.2, residues 587-607): VDYNILGWLE[Lys597Glu]NKDPLNETVV